The following is an entry in ClinVar:

NM_032043.3(BRIP1):c.3224C>T (p.Ser1075Leu)

Gene: BRIP1 (BRCA1 interacting DNA helicase 1; minus strand). Cytogenetic location: 17q23.2.
Variant type: single nucleotide variant.
Coding change: c.3224C>T on transcript NM_032043.3 (MANE Select); coding-DNA position 3224, C replaced by T.
Protein change: p.Ser1075Leu; replaces serine 1075 with leucine.
Molecular consequence: missense variant.
Genome position (GRCh38, 1-based): chr17:61,683,822, G>A on the plus strand (C>T on the coding strand, the complement: BRIP1 is on the minus strand). VCF-style: chr17-61683822-G-A. GRCh37 (hg19) VCF-style: chr17-59761183-G-A.
Other names: short protein forms S1075L.
Identifiers: ClinVar variation 232157 (VCV000232157.32), dbSNP rs183928474, ClinGen allele CA8690384.

ClinVar aggregate classification (germline): Uncertain significance. Review status: criteria provided, multiple submitters, no conflicts (2 of 4 stars). 12 submissions from 12 submitters: Uncertain significance (11). 1 of the submissions does not count toward it. Last evaluated 2026-02-19.

Conditions:
Fanconi anemia complementation group J. Also called: BRIP1-Related Fanconi Anemia. Identifiers: Orphanet 84, MedGen C1836860, MONDO:0012187, OMIM 609054.
Ovarian cancer. Also called: OVARIAN CANCER, SOMATIC. Identifiers: Orphanet 213500, MedGen C1140680, MONDO:0008170, OMIM 167000.
BRIP1-related disorder. Also called: BRIP1-related condition; BRIP1-related disorders. Identifiers: MedGen CN239206.
Hereditary cancer-predisposing syndrome. Also called: Neoplastic Syndromes, Hereditary; Tumor predisposition; Hereditary Cancer Syndrome; Hereditary neoplastic syndrome. Identifiers: Orphanet 140162, MedGen C0027672, MeSH D009386, MONDO:0015356.
Familial cancer of breast. Also called: hereditary breast carcinoma; BREAST CANCER, FAMILIAL; Hereditary breast cancer. Identifiers: Orphanet 227535, MedGen C0346153, MONDO:0016419, OMIM 114480. Disease mechanism: loss of function.

Allele frequency attached by ClinVar (database versions not stated): gnomAD exomes below 0.00001 and 0.00001; ExAC 0.00001; gnomAD 0.00004; TOPMed 0.00008; 1000 Genomes Project 0.00020; 1000 Genomes Project 30x 0.00031.
gnomAD v4.1: 10 of 1,614,152 alleles (0.00062%); highest among the groups gnomAD compares: Admixed American, 0.015%; no homozygotes.

Submissions (12):

PreventionGenetics, part of Exact Sciences
Classification: Uncertain significance for BRIP1-related condition. Last evaluated: 2026-02-19. Review status: criteria provided, single submitter. Criteria: ACMG Guidelines, 2015. Collection method: clinical testing. Allele origin: germline.
Comment: The BRIP1 c.3224C>T variant is predicted to result in the amino acid substitution p.Ser1075Leu. To our knowledge, this variant has not been reported in the literature. This variant is reported in 0.0029% of alleles in individuals of Latino descent in gnomAD and is reported as uncertain in ClinVar (Variation ID: 232157). At this time, the clinical significance of this variant is uncertain due to the absence of conclusive functional and genetic evidence.

Labcorp Genetics (formerly Invitae), Labcorp
Classification: Uncertain significance for Familial cancer of breast; Fanconi anemia complementation group J. Last evaluated: 2025-12-09. Review status: criteria provided, single submitter. Criteria: Invitae Variant Classification Sherloc (09022015). Collection method: clinical testing. Allele origin: germline.
Comment: This sequence change replaces serine, which is neutral and polar, with leucine, which is neutral and non-polar, at codon 1075 of the BRIP1 protein (p.Ser1075Leu). This variant is not present in population databases (gnomAD no frequency). This variant has not been reported in the literature in individuals affected with BRIP1-related conditions. ClinVar contains an entry for this variant (Variation ID: 232157). Invitae Evidence Modeling of protein sequence and biophysical properties (such as structural, functional, and spatial information, amino acid conservation, physicochemical variation, residue mobility, and thermodynamic stability) indicates that this missense variant is not expected to disrupt BRIP1 protein function with a negative predictive value of 95%. In summary, the available evidence is currently insufficient to determine the role of this variant in disease. Therefore, it has been classified as a Variant of Uncertain Significance.

Ambry Genetics
Classification: Uncertain significance for Hereditary cancer-predisposing syndrome. Last evaluated: 2025-11-03. Review status: criteria provided, single submitter. Criteria: Ambry Variant Classification Scheme 2023. Collection method: clinical testing. Allele origin: germline.
Comment: The p.S1075L variant (also known as c.3224C>T), located in coding exon 19 of the BRIP1 gene, results from a C to T substitution at nucleotide position 3224. The serine at codon 1075 is replaced by leucine, an amino acid with dissimilar properties. This amino acid position is not well conserved in available vertebrate species. In addition, this alteration is predicted to be tolerated by in silico analysis. Based on the available evidence, the clinical significance of this variant remains unclear.

Quest Diagnostics Nichols Institute San Juan Capistrano
Classification: Uncertain significance. Last evaluated: 2025-08-05. Review status: criteria provided, single submitter. Criteria: Quest Diagnostics criteria. Collection method: clinical testing. Allele origin: unknown.
Comment: The BRIP1 c.3224C>T (p.Ser1075Leu) variant has been reported in a cohort of individuals with soft-tissue sarcoma (PMID: 30541756 (2019)). The frequency of this variant in the general population (Genome Aggregation Database) is uninformative in the assessment of its pathogenicity. Analysis of this variant using bioinformatics tools for the prediction of the effect of amino acid changes on protein structure and function yielded predictions that this variant is benign. Based on the available information, we are unable to determine the clinical significance of this variant.

Women's Health and Genetics/Laboratory Corporation of America, LabCorp
Classification: Uncertain significance. Last evaluated: 2024-04-17. Review status: criteria provided, single submitter. Criteria: LabCorp Variant Classification Summary - May 2015. Collection method: clinical testing. Allele origin: germline.
Comment: Variant summary: BRIP1 c.3224C>T (p.Ser1075Leu) results in a non-conservative amino acid change in the encoded protein sequence. Four of five in-silico tools predict a benign effect of the variant on protein function. The variant allele was found at a frequency of 4e-06 in 251332 control chromosomes. The available data on variant occurrences in the general population are insufficient to allow any conclusion about variant significance. To our knowledge, no occurrence of c.3224C>T in individuals affected with Breast Cancer and no experimental evidence demonstrating its impact on protein function have been reported. ClinVar contains an entry for this variant (Variation ID: 232157). Based on the evidence outlined above, the variant was classified as uncertain significance.

Fulgent Genetics
Classification: Uncertain significance for Familial cancer of breast; Fanconi anemia complementation group J. Last evaluated: 2024-04-10. Review status: criteria provided, single submitter. Criteria: ACMG Guidelines, 2015. Collection method: clinical testing. Allele origin: germline.

Baylor Genetics
Classification: Uncertain significance for Familial cancer of breast. Last evaluated: 2024-03-25. Review status: criteria provided, single submitter. Criteria: ACMG Guidelines, 2015. Collection method: clinical testing. Allele origin: unknown.

Color Diagnostics, LLC DBA Color Health
Classification: Uncertain significance for Hereditary cancer-predisposing syndrome. Last evaluated: 2024-03-06. Review status: criteria provided, single submitter. Criteria: ACMG Guidelines, 2015. Collection method: clinical testing. Allele origin: germline.
Comment: This missense variant replaces serine with leucine at codon 1075 of the BRIP1 protein. Computational prediction suggests that this variant may not impact protein structure and function (internally defined REVEL score threshold <= 0.5, PMID: 27666373). To our knowledge, functional studies have not been reported for this variant. This variant has not been reported in individuals affected with hereditary cancer in the literature. This variant has been identified in 1/251332 chromosomes in the general population by the Genome Aggregation Database (gnomAD). The available evidence is insufficient to determine the role of this variant in disease conclusively. Therefore, this variant is classified as a Variant of Uncertain Significance.

Institute for Biomarker Research, Medical Diagnostic Laboratories, L.L.C.
Classification: Uncertain significance for Hereditary cancer-predisposing syndrome. Last evaluated: 2024-03-05. Review status: criteria provided, single submitter. Criteria: ACMG Guidelines, 2015. Collection method: clinical testing. Allele origin: germline.

Myriad Genetics, Inc.
Classification: Uncertain significance for Familial cancer of breast. Last evaluated: 2023-02-27. Review status: criteria provided, single submitter. Criteria: Myriad Autosomal Dominant, Autosomal Recessive and X-Linked Classification Criteria (2023). Collection method: clinical testing. Allele origin: unknown.
Comment: This variant is classified as a variant of uncertain significance as there is insufficient evidence to determine its impact on protein function and/or cancer risk.

GeneDx
Classification: Uncertain significance. Last evaluated: 2022-12-16. Review status: criteria provided, single submitter. Criteria: GeneDx Variant Classification Process June 2021. Collection method: clinical testing. Allele origin: germline. Affected: yes.
Comment: Not observed at significant frequency in large population cohorts (gnomAD); In silico analysis supports that this missense variant does not alter protein structure/function; Has not been previously published as pathogenic or benign to our knowledge

Counsyl
Classification: Uncertain significance for Fanconi anemia complementation group J; Ovarian cancer. Last evaluated: 2017-12-05. Review status: no assertion criteria provided. Collection method: clinical testing. Allele origin: unknown. Not counted in ClinVar's aggregate classification.

Literature cited by the submitters: PubMed 30541756 (cited by Quest Diagnostics Nichols Institute San Juan Capistrano).